The following is an entry in ClinVar:

NM_144997.7(FLCN):c.1428C>A (p.Asp476Glu)

Gene: FLCN (folliculin; minus strand). Cytogenetic location: 17p11.2.
Variant type: single nucleotide variant.
Coding change: c.1428C>A on transcript NM_144997.7 (MANE Select); coding-DNA position 1428, C replaced by A.
Protein change: p.Asp476Glu; replaces aspartic acid 476 with glutamic acid.
Molecular consequence: missense variant.
Genome position (GRCh38, 1-based): chr17:17,215,189, G>T on the plus strand (C>A on the coding strand, the complement: FLCN is on the minus strand). VCF-style: chr17-17215189-G-T. GRCh37 (hg19) VCF-style: chr17-17118503-G-T.
Other names: c.1482C>A, p.Asp494Glu (NM_001353229.2); c.1428C>A, p.Asp476Glu (NM_001353230.2, NM_001353231.2); short protein forms D476E, D494E.
Identifiers: ClinVar variation 2445313 (VCV002445313.3), dbSNP rs756944795, ClinGen allele CA398531084.

ClinVar aggregate classification (germline): Benign/Likely benign. Review status: criteria provided, multiple submitters, no conflicts (2 of 4 stars). 2 submissions from 2 submitters: Benign (1); Likely benign (1). Last evaluated 2024-08-08.

Conditions:
Birt-Hogg-Dube syndrome 1 (BHD1). Also called: FIBROFOLLICULOMAS WITH TRICHODISCOMAS AND ACROCHORDONS. Identifiers: Orphanet 122, MedGen CN375946, MONDO:0800445, OMIM 135150.
Ovarian cancer. Also called: OVARIAN CANCER, SOMATIC. Identifiers: Orphanet 213500, MedGen C1140680, MONDO:0008170, OMIM 167000.

Submissions (2):

Myriad Genetics, Inc.
Classification: Likely benign for Birt-Hogg-Dube syndrome 1. Last evaluated: 2024-08-08. Review status: criteria provided, single submitter. Criteria: Myriad Autosomal Dominant, Autosomal Recessive and X-Linked Classification Criteria (2023). Collection method: clinical testing. Allele origin: unknown.
Comment: This variant is considered likely benign. This variant has been observed at a population frequency that is significantly greater than expected given the associated disease prevalence and penetrance.

Laboratory of Molecular Epidemiology of Birth Defects, West China Second University Hospital, Sichuan University
Classification: Benign for Ovarian cancer. Last evaluated: 2022-01-01. Review status: criteria provided, single submitter. Criteria: ACMG Guidelines, 2015. Collection method: clinical testing. Allele origin: germline. Affected: yes.